The following is an entry in ClinVar:

ClinVar aggregate classification (germline): Uncertain significance (1 of 4 stars; one submission).

Allele frequency attached by ClinVar (database versions not stated): gnomAD 0.00001; TOPMed 0.00002; ExAC 0.00003; gnomAD exomes 0.00004.
gnomAD v4.1: 36 of 1,611,648 alleles (0.0022%); highest among the groups gnomAD compares: Admixed American, 0.015%; no homozygotes.

Submission:

Labcorp Genetics (formerly Invitae), Labcorp
Classification: Uncertain significance. Last evaluated: 2025-09-02. Review status: criteria provided, single submitter. Criteria: Invitae Variant Classification Sherloc (09022015). Collection method: clinical testing. Allele origin: germline.
Comment: This sequence change falls in intron 13 of the NEDD4L gene. It does not directly change the encoded amino acid sequence of the NEDD4L protein. It affects a nucleotide within the consensus splice site. This variant is present in population databases (rs745584603, gnomAD 0.02%). This variant has not been reported in the literature in individuals affected with NEDD4L-related conditions. ClinVar contains an entry for this variant (Variation ID: 949706). Variants that disrupt the consensus splice site are a relatively common cause of aberrant splicing (PMID: 17576681, 9536098). Algorithms developed to predict the effect of sequence changes on RNA splicing suggest that this variant is not likely to affect RNA splicing. In summary, the available evidence is currently insufficient to determine the role of this variant in disease. Therefore, it has been classified as a Variant of Uncertain Significance.

Literature cited by the submitters: PubMed 17576681; PubMed 9536098.

NM_001144967.3(NEDD4L):c.1257+4C>T

Gene: NEDD4L (NEDD4 like E3 ubiquitin protein ligase; plus strand). Cytogenetic location: 18q21.31.
Variant type: single nucleotide variant.
Coding change: c.1257+4C>T on transcript NM_001144967.3 (MANE Select); 4 bases into the intron after coding-DNA position 1257, C replaced by T.
Molecular consequence: intron variant.
Genome position (GRCh38, 1-based): chr18:58,341,173, C>T. VCF-style: chr18-58341173-C-T. GRCh37 (hg19) VCF-style: chr18-56008405-C-T.
Other names: c.1197+4C>T (NM_015277.6); c.1066-505C>T (NM_001243960.2); c.894+4C>T (NM_001144964.1, NM_001144965.2, NM_001144966.3); c.834+4C>T (NM_001144971.2, NM_001144970.3); c.1233+4C>T (NM_001144968.2); c.1173+4C>T (NM_001144969.2).
Identifiers: ClinVar variation 949706 (VCV000949706.9), dbSNP rs745584603, ClinGen allele CA8975626.